The following is an entry in ClinVar:

ClinVar aggregate classification (germline): Likely benign (1 of 4 stars; one submission).

Allele frequency attached by ClinVar (database versions not stated): 1000 Genomes Project 0.00040; 1000 Genomes Project 30x 0.00078; TOPMed 0.00135; ESP Exome Variant Server 0.00144; ExAC 0.00196; gnomAD exomes 0.00227; gnomAD 0.00236.
gnomAD v4.1: 3,429 of 1,515,744 alleles (0.23%); highest among the groups gnomAD compares: Non-Finnish European, 0.23%; 8 homozygotes.

Submission:

CeGaT Center for Human Genetics Tuebingen
Classification: Likely benign. Last evaluated: 2022-03-01. Review status: criteria provided, single submitter. Criteria: CeGaT Center For Human Genetics Tuebingen Variant Classification Criteria Version 2. Collection method: clinical testing. Allele origin: germline. Affected: yes. Observed: 1 variant allele.
Comment: ASB16: BP4, BP7

NM_080863.5(ASB16):c.972G>A (p.Ala324=)

Genes: ASB16 (ankyrin repeat and SOCS box containing 16; plus strand), ASB16-AS1 (ASB16 antisense RNA 1; minus strand). Cytogenetic location: 17q21.31.
Variant type: single nucleotide variant.
Coding change: c.972G>A on transcript NM_080863.5 (MANE Select); coding-DNA position 972, G replaced by A.
Protein change: p.Ala324=; no amino-acid change (alanine 324 retained).
Molecular consequence: synonymous variant. On other transcripts: non-coding transcript variant (1).
Genome position (GRCh38, 1-based): chr17:44,177,140, G>A. VCF-style: chr17-44177140-G-A. GRCh37 (hg19) VCF-style: chr17-42254508-G-A.
Identifiers: ClinVar variation 2647819 (VCV002647819.24), dbSNP rs199949093, ClinGen allele CA8598220.